The following is an entry in ClinVar:

NM_004855.5(PIGB):c.1008G>C (p.Lys336Asn)

Gene: PIGB (phosphatidylinositol glycan anchor biosynthesis class B; plus strand). Cytogenetic location: 15q21.3.
Variant type: single nucleotide variant.
Coding change: c.1008G>C on transcript NM_004855.5 (MANE Select); coding-DNA position 1008, G replaced by C.
Protein change: p.Lys336Asn; replaces lysine 336 with asparagine.
Molecular consequence: missense variant.
Genome position (GRCh38, 1-based): chr15:55,340,773, G>C. VCF-style: chr15-55340773-G-C. GRCh37 (hg19) VCF-style: chr15-55632971-G-C.
Other names: short protein forms K336N.
Identifiers: ClinVar variation 1396956 (VCV001396956.6), dbSNP rs2141200062, ClinGen allele CA392543114.
Genomic context (GRCh38, chr15:55,340,773, plus strand): 5'-TCCAGTTATCTTGGGTACTCACTTACCCTTCTTTATTCATGGCTGCTATCTAGCACCAAA[G>C]AGATACCGGATACTTTTGGTGACTGTGCTGTGGACACTGCTTGTTTATAGGTAAGATTTT-3'
Protein context (NP_004846.4, residues 326-346): FFIHGCYLAP[Lys336Asn]RYRILLVTVL

ClinVar aggregate classification (germline): Uncertain significance (1 of 4 stars; one submission).

Submission:

Labcorp Genetics (formerly Invitae), Labcorp
Classification: Uncertain significance. Last evaluated: 2024-02-17. Review status: criteria provided, single submitter. Criteria: Invitae Variant Classification Sherloc (09022015). Collection method: clinical testing. Allele origin: germline.
Comment: This sequence change replaces lysine, which is basic and polar, with asparagine, which is neutral and polar, at codon 336 of the PIGB protein (p.Lys336Asn). This variant is not present in population databases (gnomAD no frequency). This variant has not been reported in the literature in individuals affected with PIGB-related conditions. ClinVar contains an entry for this variant (Variation ID: 1396956). Advanced modeling of protein sequence and biophysical properties (such as structural, functional, and spatial information, amino acid conservation, physicochemical variation, residue mobility, and thermodynamic stability) performed at Invitae indicates that this missense variant is not expected to disrupt PIGB protein function with a negative predictive value of 80%. In summary, the available evidence is currently insufficient to determine the role of this variant in disease. Therefore, it has been classified as a Variant of Uncertain Significance.